The following is an entry in ClinVar:

NM_014444.5(TUBGCP4):c.1848+5G>A

Genes: TP53BP1 (tumor protein p53 binding protein 1; minus strand), TUBGCP4 (tubulin gamma complex component 4; plus strand). Cytogenetic location: 15q15.3.
Variant type: single nucleotide variant.
Coding change: c.1848+5G>A on transcript NM_014444.5 (MANE Select); 5 bases into the intron after coding-DNA position 1848, G replaced by A.
Molecular consequence: intron variant. On other transcripts: 3 prime UTR variant (5).
Genome position (GRCh38, 1-based): chr15:43,403,804, G>A. VCF-style: chr15-43403804-G-A. GRCh37 (hg19) VCF-style: chr15-43696002-G-A.
Other names: c.*3579C>T (NM_001141979.3, NM_001141980.3, NM_001355001.2 and 2 more transcripts); c.1851+5G>A (NM_001286414.3).
Identifiers: ClinVar variation 1513915 (VCV001513915.7), dbSNP rs1376816910, ClinGen allele CA617650390.
Genomic context (GRCh38, chr15:43,403,804, plus strand): 5'-AGAACCTAGGCCCACTGGATGAGCGTGGAGCCGCCCAGCTGAGCATTCTCGTGAAGGTGC[G>A]TCTGCCTGGAAGTATGCAGCCTTGCCGAAAGGACAGAGGTGGTTTTGCCAATGGAGAATT-3'

ClinVar aggregate classification (germline): Conflicting classifications of pathogenicity. Review status: criteria provided, conflicting classifications (1 of 4 stars). 2 submissions from 2 submitters: Pathogenic (1); Uncertain significance (1). Last evaluated 2022-11-07.

Allele frequency attached by ClinVar (database versions not stated): gnomAD exomes below 0.00001.
gnomAD v4.1: 7 of 1,608,724 alleles (0.00044%); highest among the groups gnomAD compares: Admixed American, 0.0017%; no homozygotes.

Submissions (2):

Labcorp Genetics (formerly Invitae), Labcorp
Classification: Pathogenic. Last evaluated: 2022-11-07. Review status: criteria provided, single submitter. Criteria: Invitae Variant Classification Sherloc (09022015). Collection method: clinical testing. Allele origin: germline.
Comment: This sequence change falls in intron 16 of the TUBGCP4 gene. It does not directly change the encoded amino acid sequence of the TUBGCP4 protein. It affects a nucleotide within the consensus splice site. ClinVar contains an entry for this variant (Variation ID: 1513915). This variant has been observed in individual(s) with clinical features of TUBGCP4-related conditions (Invitae). In at least one individual the data is consistent with being in trans (on the opposite chromosome) from a pathogenic variant. The frequency data for this variant in the population databases is considered unreliable, as metrics indicate poor data quality at this position in the gnomAD database. For these reasons, this variant has been classified as Pathogenic. Variants that disrupt the consensus splice site are a relatively common cause of aberrant splicing (PMID: 17576681, 9536098). Algorithms developed to predict the effect of sequence changes on RNA splicing suggest that this variant may disrupt the consensus splice site.

Blueprint Genetics
Classification: Uncertain significance. Last evaluated: 2022-06-01. Review status: criteria provided, single submitter. Criteria: ACMG Guidelines, 2015. Collection method: clinical testing. Allele origin: germline.

Literature cited by the submitters: PubMed 17576681 (cited by Labcorp Genetics (formerly Invitae), Labcorp); PubMed 9536098 (cited by Labcorp Genetics (formerly Invitae), Labcorp).